The following is an entry in ClinVar:

NM_004006.3(DMD):c.1946G>T (p.Arg649Leu)

Gene: DMD (dystrophin; minus strand). Cytogenetic location: Xp21.1.
Variant type: single nucleotide variant.
Coding change: c.1946G>T on transcript NM_004006.3 (MANE Select); coding-DNA position 1946, G replaced by T.
Protein change: p.Arg649Leu; replaces arginine 649 with leucine.
Molecular consequence: missense variant.
Genome position (GRCh38, 1-based): chrX:32,565,748, C>A on the plus strand (G>T on the coding strand, the complement: DMD is on the minus strand). VCF-style: chrX-32565748-C-A. GRCh37 (hg19) VCF-style: chrX-32583865-C-A.
Other names: c.1922G>T, p.Arg641Leu (NM_000109.4); c.1934G>T, p.Arg645Leu (NM_004009.3); c.1577G>T, p.Arg526Leu (NM_004010.3); short protein forms R649L, R526L, R641L, R645L.
Identifiers: ClinVar variation 2916370 (VCV002916370.3), dbSNP rs749004200, ClinGen allele CA412672410.

ClinVar aggregate classification (germline): Uncertain significance (1 of 4 stars; one submission).

Conditions:
Duchenne muscular dystrophy (DMD). Also called: MUSCULAR DYSTROPHY, PSEUDOHYPERTROPHIC PROGRESSIVE, DUCHENNE TYPE; Duchenne Muscular Dystrophy (DMD). Identifiers: Orphanet 98896, MedGen C0013264, MONDO:0010679, OMIM 310200.

gnomAD v4.1: 1 of 1,211,547 alleles (0.000083%); highest among the groups gnomAD compares: African/African-American, 0.0017%; no homozygotes.

Submission:

Labcorp Genetics (formerly Invitae), Labcorp
Classification: Uncertain significance for Duchenne muscular dystrophy. Last evaluated: 2025-07-14. Review status: criteria provided, single submitter. Criteria: Invitae Variant Classification Sherloc (09022015). Collection method: clinical testing. Allele origin: germline.
Comment: This sequence change replaces arginine, which is basic and polar, with leucine, which is neutral and non-polar, at codon 649 of the DMD protein (p.Arg649Leu). This variant is not present in population databases (gnomAD no frequency). This variant has not been reported in the literature in individuals affected with DMD-related conditions. ClinVar contains an entry for this variant (Variation ID: 2916370). Invitae Evidence Modeling of protein sequence and biophysical properties (such as structural, functional, and spatial information, amino acid conservation, physicochemical variation, residue mobility, and thermodynamic stability) indicates that this missense variant is not expected to disrupt DMD protein function with a negative predictive value of 95%. In summary, the available evidence is currently insufficient to determine the role of this variant in disease. Therefore, it has been classified as a Variant of Uncertain Significance.